The following is an entry in ClinVar:

ClinVar aggregate classification (germline): Uncertain significance (1 of 4 stars; one submission).

Conditions:
Duchenne muscular dystrophy (DMD). Also called: MUSCULAR DYSTROPHY, PSEUDOHYPERTROPHIC PROGRESSIVE, DUCHENNE TYPE; Duchenne Muscular Dystrophy (DMD). Identifiers: Orphanet 98896, MedGen C0013264, MONDO:0010679, OMIM 310200.

gnomAD v4.1: 4 of 1,211,121 alleles (0.00033%); highest among the groups gnomAD compares: Non-Finnish European, 0.00045%; no homozygotes.

Submission:

Labcorp Genetics (formerly Invitae), Labcorp
Classification: Uncertain significance for Duchenne muscular dystrophy. Last evaluated: 2022-02-20. Review status: criteria provided, single submitter. Criteria: Invitae Variant Classification Sherloc (09022015). Collection method: clinical testing. Allele origin: germline.
Comment: This sequence change replaces threonine, which is neutral and polar, with isoleucine, which is neutral and non-polar, at codon 970 of the DMD protein (p.Thr970Ile). This variant is not present in population databases (gnomAD no frequency). This variant has not been reported in the literature in individuals affected with DMD-related conditions. Algorithms developed to predict the effect of missense changes on protein structure and function are either unavailable or do not agree on the potential impact of this missense change (SIFT: "Deleterious"; PolyPhen-2: "Probably Damaging"; Align-GVGD: "Class C0"). In summary, the available evidence is currently insufficient to determine the role of this variant in disease. Therefore, it has been classified as a Variant of Uncertain Significance.

NM_004006.3(DMD):c.2909C>T (p.Thr970Ile)

Gene: DMD (dystrophin; minus strand). Cytogenetic location: Xp21.1.
Variant type: single nucleotide variant.
Coding change: c.2909C>T on transcript NM_004006.3 (MANE Select); coding-DNA position 2909, C replaced by T.
Protein change: p.Thr970Ile; replaces threonine 970 with isoleucine.
Molecular consequence: missense variant.
Genome position (GRCh38, 1-based): chrX:32,472,204, G>A on the plus strand (C>T on the coding strand, the complement: DMD is on the minus strand). VCF-style: chrX-32472204-G-A. GRCh37 (hg19) VCF-style: chrX-32490321-G-A.
Other names: c.2885C>T, p.Thr962Ile (NM_000109.4); c.2897C>T, p.Thr966Ile (NM_004009.3); c.2540C>T, p.Thr847Ile (NM_004010.3); short protein forms T962I, T970I, T847I, T966I.
Identifiers: ClinVar variation 2161984 (VCV002161984.1), dbSNP rs2148485009, ClinGen allele CA412667950.